The following is an entry in ClinVar:

NM_206996.4(SPAG17):c.6107T>A (p.Leu2036Gln)

Gene: SPAG17 (sperm associated antigen 17; minus strand). Cytogenetic location: 1p12.
Variant type: single nucleotide variant.
Coding change: c.6107T>A on transcript NM_206996.4 (MANE Select); coding-DNA position 6107, T replaced by A.
Protein change: p.Leu2036Gln; replaces leucine 2036 with glutamine.
Molecular consequence: missense variant.
Genome position (GRCh38, 1-based): chr1:117,973,459, A>T on the plus strand (T>A on the coding strand, the complement: SPAG17 is on the minus strand). VCF-style: chr1-117973459-A-T. GRCh37 (hg19) VCF-style: chr1-118516082-A-T.
Other names: NC_000001.10:g.118516082A>T; short protein forms L2036Q.
Identifiers: ClinVar variation 3060565 (VCV003060565.3), dbSNP rs61729968, ClinGen allele CA1032889.

ClinVar aggregate classification (germline): Benign (0 of 4 stars; one submission).

Conditions:
SPAG17-related disorder. Also called: SPAG17-related condition.

Allele frequency attached by ClinVar (database versions not stated): gnomAD exomes 0.02073; ExAC 0.04338; ESP Exome Variant Server 0.04621; gnomAD 0.05215; TOPMed 0.05511; 1000 Genomes Project 30x 0.08760; 1000 Genomes Project 0.08786.
gnomAD v4.1: 38,742 of 1,613,914 alleles (2.4%); highest among the groups gnomAD compares: African/African-American, 13%; 1,682 homozygotes.

Submissions (10):

PreventionGenetics, part of Exact Sciences
Classification: Benign for SPAG17-related condition. Last evaluated: 2019-10-18. Review status: no assertion criteria provided. Collection method: clinical testing. Allele origin: germline.
Comment: This variant is classified as benign based on ACMG/AMP sequence variant interpretation guidelines (Richards et al. 2015 PMID: 25741868, with internal and published modifications).

Dr. Peter K. Rogan Lab, Western University
No classification provided (evidence only). Condition: Lung cancer. Review status: no classification provided. Collection method: in vitro. Allele origin: not applicable. Functional consequence: retained intron. Not counted in ClinVar's aggregate classification.

Dr. Peter K. Rogan Lab, Western University
No classification provided (evidence only). Condition: Uterine carcinosarcoma. Review status: no classification provided. Collection method: in vitro. Allele origin: not applicable. Functional consequence: retained intron. Not counted in ClinVar's aggregate classification.

Dr. Peter K. Rogan Lab, Western University
No classification provided (evidence only). Condition: Lung cancer. Review status: no classification provided. Collection method: in vitro. Allele origin: not applicable. Functional consequence: retained intron. Not counted in ClinVar's aggregate classification.

Dr. Peter K. Rogan Lab, Western University
No classification provided (evidence only). Condition: Melanoma. Review status: no classification provided. Collection method: in vitro. Allele origin: not applicable. Functional consequence: retained intron. Not counted in ClinVar's aggregate classification.

Dr. Peter K. Rogan Lab, Western University
No classification provided (evidence only). Condition: Malignant tumor of esophagus. Review status: no classification provided. Collection method: in vitro. Allele origin: not applicable. Functional consequence: retained intron. Not counted in ClinVar's aggregate classification.

Dr. Peter K. Rogan Lab, Western University
No classification provided (evidence only). Condition: Acute myeloid leukemia. Review status: no classification provided. Collection method: in vitro. Allele origin: not applicable. Functional consequence: retained intron. Not counted in ClinVar's aggregate classification.

Dr. Peter K. Rogan Lab, Western University
No classification provided (evidence only). Condition: Sarcoma. Review status: no classification provided. Collection method: in vitro. Allele origin: not applicable. Functional consequence: retained intron. Not counted in ClinVar's aggregate classification.

Dr. Peter K. Rogan Lab, Western University
No classification provided (evidence only). Condition: Ovarian serous cystadenocarcinoma. Review status: no classification provided. Collection method: in vitro. Allele origin: not applicable. Functional consequence: retained intron. Not counted in ClinVar's aggregate classification.

Dr. Peter K. Rogan Lab, Western University
No classification provided (evidence only). Condition: Uterine carcinosarcoma. Review status: no classification provided. Collection method: in vitro. Allele origin: not applicable. Functional consequence: retained intron. Not counted in ClinVar's aggregate classification.